The following is an entry in ClinVar:

ClinVar aggregate classification (germline): Likely benign. Review status: criteria provided, multiple submitters, no conflicts (2 of 4 stars). 3 submissions from 3 submitters: Likely benign (3). Last evaluated 2026-04-01.

Conditions:
Focal segmental glomerulosclerosis 6 (FSGS6). Identifiers: Orphanet 656, MedGen C3279905, MONDO:0013589, OMIM 614131.

Allele frequency attached by ClinVar (database versions not stated): gnomAD exomes 0.00008; ExAC 0.00013; ESP Exome Variant Server 0.00023; TOPMed 0.00028; gnomAD 0.00030 and 0.00032; 1000 Genomes Project 0.00060; 1000 Genomes Project 30x 0.00062.
gnomAD v4.1: 114 of 1,614,182 alleles (0.0071%); highest among the groups gnomAD compares: African/African-American, 0.11%; no homozygotes.

Submissions (3):

CeGaT Center for Human Genetics Tuebingen
Classification: Likely benign. Last evaluated: 2026-04-01. Review status: criteria provided, single submitter. Criteria: CeGaT Center For Human Genetics Tuebingen Variant Classification Criteria Version 2. Collection method: clinical testing. Allele origin: germline. Affected: yes. Observed: 1 variant allele.
Comment: MYO1E: BP4, BP7

Labcorp Genetics (formerly Invitae), Labcorp
Classification: Likely benign. Last evaluated: 2025-07-15. Review status: criteria provided, single submitter. Criteria: Invitae Variant Classification Sherloc (09022015). Collection method: clinical testing. Allele origin: germline.

Fulgent Genetics
Classification: Likely benign for Focal segmental glomerulosclerosis 6. Last evaluated: 2021-08-04. Review status: criteria provided, single submitter. Criteria: ACMG Guidelines, 2015. Collection method: clinical testing. Allele origin: unknown.

NM_004998.4(MYO1E):c.1065C>T (p.Leu355=)

Gene: MYO1E (myosin IE; minus strand). Cytogenetic location: 15q22.2.
Variant type: single nucleotide variant.
Coding change: c.1065C>T on transcript NM_004998.4 (MANE Select); coding-DNA position 1065, C replaced by T.
Protein change: p.Leu355=; no amino-acid change (leucine 355 retained).
Molecular consequence: synonymous variant.
Genome position (GRCh38, 1-based): chr15:59,217,933, G>A on the plus strand (C>T on the coding strand, the complement: MYO1E is on the minus strand). VCF-style: chr15-59217933-G-A. GRCh37 (hg19) VCF-style: chr15-59510132-G-A.
Identifiers: ClinVar variation 1554039 (VCV001554039.11), dbSNP rs146652440, ClinGen allele CA7590094.